The following is an entry in ClinVar:

ClinVar aggregate classification (germline): Uncertain significance. Review status: criteria provided, single submitter (1 of 4 stars). 2 submissions from 2 submitters: Uncertain significance (1). 1 of the submissions does not count toward it. Last evaluated 2021-10-29.

Conditions:
Cardiovascular phenotype. Identifiers: MedGen CN230736.

gnomAD v4.1: 2 of 1,614,152 alleles (0.00012%); highest among the groups gnomAD compares: Non-Finnish European, 0.00017%; no homozygotes.

Submissions (2):

Ambry Genetics
Classification: Uncertain significance for Cardiovascular phenotype. Last evaluated: 2021-10-29. Review status: criteria provided, single submitter. Criteria: Ambry Variant Classification Scheme 2023. Collection method: clinical testing. Allele origin: germline.
Comment: The p.T619I variant (also known as c.1856C>T), located in coding exon 9 of the MYPN gene, results from a C to T substitution at nucleotide position 1856. The threonine at codon 619 is replaced by isoleucine, an amino acid with similar properties. This amino acid position is conserved. In addition, this alteration is predicted to be tolerated by in silico analysis. Since supporting evidence is limited at this time, the clinical significance of this alteration remains unclear.

Department of Pathology and Laboratory Medicine, Sinai Health System
Classification: Uncertain significance. Review status: no assertion criteria provided. Collection method: clinical testing. Allele origin: unknown. Affected: yes. Study: The Canadian Open Genetics Repository (COGR). Not counted in ClinVar's aggregate classification.
Comment: The MYPN p.Thr619Ile variant was not identified in the literature nor was it identified in dbSNP, ClinVar, Cosmic, LOVD 3.0 or in the following control databases: the 1000 Genomes Project, the NHLBI GO Exome Sequencing Project, the Exome Aggregation Consortium (August 8th 2016), or the Genome Aggregation Database (Feb 27, 2017).The p.Thr619 residue is not conserved in mammals and four out of five computational analyses (PolyPhen-2, SIFT, AlignGVGD, MutationTaster) do not suggest a high likelihood of impact to the protein; however, this information is not predictive enough to rule out pathogenicity. The variant occurs outside of the splicing consensus sequence and in silico or computational prediction software programs (SpliceSiteFinder, MaxEntScan, NNSPLICE, GeneSplicer) do not predict a difference in splicing. In summary, based on the above information the clinical significance of this variant cannot be determined with certainty at this time. This variant is classified as a variant of uncertain significance.

NM_032578.4(MYPN):c.1856C>T (p.Thr619Ile)

Gene: MYPN (myopalladin; plus strand). Cytogenetic location: 10q21.3.
Variant type: single nucleotide variant.
Coding change: c.1856C>T on transcript NM_032578.4 (MANE Select); coding-DNA position 1856, C replaced by T.
Protein change: p.Thr619Ile; replaces threonine 619 with isoleucine.
Molecular consequence: missense variant. On other transcripts: non-coding transcript variant (2).
Genome position (GRCh38, 1-based): chr10:68,166,549, C>T. VCF-style: chr10-68166549-C-T. GRCh37 (hg19) VCF-style: chr10-69926306-C-T.
Other names: c.1856C>T, p.Thr619Ile (NM_001256267.2); c.974C>T, p.Thr325Ile (NM_001256268.2); short protein forms T325I, T619I.
Identifiers: ClinVar variation 1049515 (VCV001049515.3), dbSNP rs1329226753, ClinGen allele CA376840489.